The following is an entry in ClinVar:

NM_002878.4(RAD51D):c.750C>T (p.His250=)

Genes: RAD51D (RAD51 paralog D; minus strand), RAD51L3-RFFL (RAD51L3-RFFL readthrough; minus strand). Cytogenetic location: 17q12.
Variant type: single nucleotide variant.
Coding change: c.750C>T on transcript NM_002878.4 (MANE Select); coding-DNA position 750, C replaced by T.
Protein change: p.His250=; no amino-acid change (histidine 250 retained).
Molecular consequence: synonymous variant. On other transcripts: non-coding transcript variant (3).
Genome position (GRCh38, 1-based): chr17:35,101,354, G>A on the plus strand (C>T on the coding strand, the complement: RAD51D is on the minus strand). VCF-style: chr17-35101354-G-A. GRCh37 (hg19) VCF-style: chr17-33428373-G-A.
Other names: c.810C>T, p.His270= (NM_001142571.2); c.414C>T, p.His138= (NM_133629.3); c.750C>T (NM_002878.3).
Identifiers: ClinVar variation 1612571 (VCV001612571.10), dbSNP rs1300633211, ClinGen allele CA499728849.

ClinVar aggregate classification (germline): Benign/Likely benign. Review status: criteria provided, multiple submitters, no conflicts (2 of 4 stars). 3 submissions from 3 submitters: Benign (1); Likely benign (2). Last evaluated 2025-02-24.

Conditions:
Hereditary cancer-predisposing syndrome. Also called: Tumor predisposition; Hereditary Cancer Syndrome; Neoplastic Syndromes, Hereditary; Hereditary neoplastic syndrome. Identifiers: Orphanet 140162, MedGen C0027672, MeSH D009386, MONDO:0015356.
Breast-ovarian cancer, familial, susceptibility to, 4. Identifiers: Orphanet 145, MedGen C3280345, MONDO:0013669, OMIM 614291.

Allele frequency attached by ClinVar (database versions not stated): gnomAD exomes below 0.00001.

Submissions (3):

Myriad Genetics, Inc.
Classification: Benign for Breast-ovarian cancer, familial, susceptibility to, 4. Last evaluated: 2025-02-24. Review status: criteria provided, single submitter. Criteria: Myriad Autosomal Dominant, Autosomal Recessive and X-Linked Classification Criteria (2023). Collection method: clinical testing. Allele origin: unknown.
Comment: This variant is considered benign. This variant is a silent/synonymous amino acid change and it is not expected to impact splicing.

Ambry Genetics
Classification: Likely benign for Hereditary cancer-predisposing syndrome. Last evaluated: 2023-12-08. Review status: criteria provided, single submitter. Criteria: Ambry Variant Classification Scheme 2023. Collection method: clinical testing. Allele origin: germline.

Labcorp Genetics (formerly Invitae), Labcorp
Classification: Likely benign for Breast-ovarian cancer, familial, susceptibility to, 4. Last evaluated: 2021-05-07. Review status: criteria provided, single submitter. Criteria: Invitae Variant Classification Sherloc (09022015). Collection method: clinical testing. Allele origin: germline.